The following is an entry in ClinVar:

NM_003108.4(SOX11):c.148A>G (p.Lys50Glu)

Gene: SOX11 (SRY-box transcription factor 11; plus strand). Cytogenetic location: 2p25.2.
Variant type: single nucleotide variant.
Coding change: c.148A>G on transcript NM_003108.4 (MANE Select); coding-DNA position 148, A replaced by G.
Protein change: p.Lys50Glu; replaces lysine 50 with glutamic acid.
Molecular consequence: missense variant.
Genome position (GRCh38, 1-based): chr2:5,692,869, A>G. VCF-style: chr2-5692869-A-G. GRCh37 (hg19) VCF-style: chr2-5833001-A-G.
Other names: short protein forms K50E.
Identifiers: ClinVar variation 3049183 (VCV003049183.2), dbSNP rs2465087382, ClinGen allele CA345866043.

ClinVar aggregate classification (germline): Likely pathogenic (0 of 4 stars; one submission).

Conditions:
SOX11-related disorder. Also called: SOX11-related condition.

Submission:

PreventionGenetics, part of Exact Sciences
Classification: Likely pathogenic for SOX11-related condition. Last evaluated: 2024-02-23. Review status: no assertion criteria provided. Collection method: clinical testing. Allele origin: germline.
Comment: The SOX11 c.148A>G variant is predicted to result in the amino acid substitution p.Lys50Glu. To our knowledge, this variant has not been reported in the literature; however, different missense substitutions at this same codon (p.Lys50Gln; p.Lys50Asn) have been reported in the de novo state in individuals with neurodevelopmental disorder (Hempel et al. 2016. PubMed ID: 26543203; Al-Jawahiri et al. 2022. PubMed ID: 35341651. Table S6) suggesting that substitution of amino acid residue p.Lys50 is not tolerated. This variant is not reported in a large population database, indicating this variant is rare. This variant is interpreted as likely pathogenic.